The following is an entry in ClinVar:

NM_206926.2(SELENON):c.302-115C>T

Gene: SELENON (selenoprotein N; plus strand). Cytogenetic location: 1p36.11.
Variant type: single nucleotide variant.
Coding change: c.302-115C>T on transcript NM_206926.2 (MANE Select); 115 bases into the intron before coding-DNA position 302, C replaced by T.
Molecular consequence: intron variant.
Genome position (GRCh38, 1-based): chr1:25,805,027, C>T. VCF-style: chr1-25805027-C-T. GRCh37 (hg19) VCF-style: chr1-26131518-C-T.
Other names: c.404-115C>T (NM_020451.3).
Identifiers: ClinVar variation 679429 (VCV000679429.1), dbSNP rs115441796, ClinGen allele CA10874912.

ClinVar aggregate classification (germline): Likely benign (1 of 4 stars; one submission).

Allele frequency attached by ClinVar (database versions not stated): gnomAD exomes 0.00096; gnomAD 0.01063 and 0.00995; 1000 Genomes Project 30x 0.00937; 1000 Genomes Project 0.00978; TOPMed 0.01171.
gnomAD v4.1: 2,779 of 1,394,962 alleles (0.2%); highest among the groups gnomAD compares: African/African-American, 3.5%; 53 homozygotes.

Submission:

GeneDx
Classification: Likely benign. Last evaluated: 2018-06-16. Review status: criteria provided, single submitter. Criteria: GeneDx Variant Classification (06012015). Collection method: clinical testing. Allele origin: germline. Affected: yes.
Comment: This variant is considered likely benign or benign based on one or more of the following criteria: it is a conservative change, it occurs at a poorly conserved position in the protein, it is predicted to be benign by multiple in silico algorithms, and/or has population frequency not consistent with disease.